The following is an entry in ClinVar:

NM_001001548.3(CD36):c.591A>T (p.Thr197=)

Gene: CD36 (CD36 molecule (CD36 blood group); plus strand). Cytogenetic location: 7q21.11.
Variant type: single nucleotide variant.
Coding change: c.591A>T on transcript NM_001001548.3 (MANE Select); coding-DNA position 591, A replaced by T.
Protein change: p.Thr197=; no amino-acid change (threonine 197 retained).
Molecular consequence: synonymous variant. On other transcripts: non-coding transcript variant (1), intron variant (1).
Genome position (GRCh38, 1-based): chr7:80,663,151, A>T. VCF-style: chr7-80663151-A-T. GRCh37 (hg19) VCF-style: chr7-80292467-A-T.
Other names: c.591A>T, p.Thr197= (NM_000072.3, NM_001001547.3, NM_001127443.2 and 6 more transcripts); c.363A>T, p.Thr121= (NM_001289911.2); c.489A>T, p.Thr163= (NM_001371079.1); c.126A>T, p.Thr42= (NM_001371080.1, NM_001371081.1); c.430-1255A>T (NM_001289909.1).
Identifiers: ClinVar variation 910699 (VCV000910699.7), dbSNP rs141680676, ClinGen allele CA4315245.

ClinVar aggregate classification (germline): Conflicting classifications of pathogenicity. Review status: criteria provided, conflicting classifications (1 of 4 stars). 4 submissions from 4 submitters: Uncertain significance (2); Likely benign (1). 1 of the submissions does not count toward it. Last evaluated 2024-11-26.

Conditions:
CD36-related disorder. Also called: CD36-related condition; CD36-related disorders.
Platelet-type bleeding disorder 10. Also called: CD36 DEFICIENCY. Identifiers: MedGen C1842090, MONDO:0012031, OMIM 608404.

Allele frequency attached by ClinVar (database versions not stated): 1000 Genomes Project 0.00020; 1000 Genomes Project 30x 0.00031; ESP Exome Variant Server 0.00038; TOPMed 0.00076; ExAC 0.00114; gnomAD exomes 0.00150.
gnomAD v4.1: 1,636 of 1,613,532 alleles (0.1%); highest among the groups gnomAD compares: Non-Finnish European, 0.084%; 7 homozygotes.

Submissions (4):

Blueprint Genetics
Classification: Likely benign. Last evaluated: 2024-11-26. Review status: criteria provided, single submitter. Criteria: ACMG Guidelines, 2015. Collection method: clinical testing. Allele origin: germline.

Illumina Laboratory Services, Illumina
Classification: Uncertain significance for Platelet-type bleeding disorder 10. Last evaluated: 2017-04-27. Review status: criteria provided, single submitter. Criteria: ICSL Variant Classification Criteria 13 December 2019. Collection method: clinical testing. Allele origin: germline.

Breakthrough Genomics
Classification: Uncertain significance. Review status: criteria provided, single submitter. Criteria: ACMG Guidelines, 2015. Collection method: not provided. Allele origin: germline. Inheritance: Autosomal recessive inheritance. Affected: yes.

PreventionGenetics, part of Exact Sciences
Classification: Likely benign for CD36-related condition. Last evaluated: 2024-07-18. Review status: no assertion criteria provided. Collection method: clinical testing. Allele origin: germline. Not counted in ClinVar's aggregate classification.
Comment: This variant is classified as likely benign based on ACMG/AMP sequence variant interpretation guidelines (Richards et al. 2015 PMID: 25741868, with internal and published modifications).